The following is an entry in ClinVar:

ClinVar aggregate classification (germline): Conflicting classifications of pathogenicity. Review status: criteria provided, conflicting classifications (1 of 4 stars). 3 submissions from 3 submitters: Uncertain significance (1); Likely benign (2). Last evaluated 2025-06-29.

Conditions:
Myoglobinuria, acute recurrent, autosomal recessive. Also called: MYOGLOBINURIA, FAMILIAL PAROXYSMAL PARALYTIC; RHABDOMYOLYSIS, ACUTE RECURRENT; Myoglobinuria, recurrent, autosomal recessive. Identifiers: Orphanet 99845, MedGen C1849386, MONDO:0009992, OMIM 268200.

Allele frequency attached by ClinVar (database versions not stated): gnomAD exomes 0.00002 and 0.00015; TOPMed 0.00003; gnomAD 0.00004; ExAC 0.00016; 1000 Genomes Project 0.00020; 1000 Genomes Project 30x 0.00031.
gnomAD v4.1: 32 of 1,613,910 alleles (0.002%); highest among the groups gnomAD compares: East Asian, 0.06%; no homozygotes.

Submissions (3):

Labcorp Genetics (formerly Invitae), Labcorp
Classification: Likely benign. Last evaluated: 2025-06-29. Review status: criteria provided, single submitter. Criteria: Invitae Variant Classification Sherloc (09022015). Collection method: clinical testing. Allele origin: germline.

Fulgent Genetics
Classification: Uncertain significance for Myoglobinuria, acute recurrent, autosomal recessive. Last evaluated: 2024-02-13. Review status: criteria provided, single submitter. Criteria: ACMG Guidelines, 2015. Collection method: clinical testing. Allele origin: germline.

GeneDx
Classification: Likely benign. Last evaluated: 2017-12-27. Review status: criteria provided, single submitter. Criteria: GeneDx Variant Classification (06012015). Collection method: clinical testing. Allele origin: germline. Affected: yes.
Comment: This variant is considered likely benign or benign based on one or more of the following criteria: it is a conservative change, it occurs at a poorly conserved position in the protein, it is predicted to be benign by multiple in silico algorithms, and/or has population frequency not consistent with disease.

NM_001349206.2(LPIN1):c.1264+5C>T

Gene: LPIN1 (lipin 1; plus strand). Cytogenetic location: 2p25.1.
Variant type: single nucleotide variant.
Coding change: c.1264+5C>T on transcript NM_001349206.2 (MANE Select); 5 bases into the intron after coding-DNA position 1264, C replaced by T.
Molecular consequence: intron variant.
Genome position (GRCh38, 1-based): chr2:11,782,512, C>T. VCF-style: chr2-11782512-C-T. GRCh37 (hg19) VCF-style: chr2-11922638-C-T.
Other names: c.1411+5C>T (NM_001261428.3); c.1303+5C>T (NM_001349208.2); c.1354+5C>T (NM_001349207.2); c.1174+5C>T (NM_001261427.3); c.1264+5C>T (NM_001349204.2, NM_001349205.2); c.1261+5C>T (NM_001349202.2, NM_001349203.2); c.1156+5C>T (NM_001349200.2, NM_001349199.2, NM_001349201.2 and 1 more transcripts).
Identifiers: ClinVar variation 514350 (VCV000514350.4), dbSNP rs189276809, ClinGen allele CA1533639.
Genomic context (GRCh38, chr2:11,782,512, plus strand): 5'-CTCTGCCAGTGTAGTCCAGACAGCAAACAAGACGGATTCTCCTTCCAGGAAAAGAGGTAC[C>T]AAGGCTGGGGCTTCCCGGCTCTTTTTCTGTTCATAGTTTGTGCTCACTCTACACATGACA-3'